The following is an entry in ClinVar:

NM_000548.5(TSC2):c.167A>T (p.Asn56Ile)

Gene: TSC2 (TSC complex subunit 2; plus strand). Cytogenetic location: 16p13.3.
Variant type: single nucleotide variant.
Coding change: c.167A>T on transcript NM_000548.5 (MANE Select); coding-DNA position 167, A replaced by T.
Protein change: p.Asn56Ile; replaces asparagine 56 with isoleucine.
Molecular consequence: missense variant. On other transcripts: 5 prime UTR variant (1).
Genome position (GRCh38, 1-based): chr16:2,050,428, A>T. VCF-style: chr16-2050428-A-T. GRCh37 (hg19) VCF-style: chr16-2100429-A-T.
Other names: c.167A>T, p.Asn56Ile (NM_001077183.3, NM_001114382.3, NM_001318827.2 and 4 more transcripts); c.20A>T, p.Asn7Ile (NM_001318829.2); c.-60A>T (NM_001318831.2); c.200A>T, p.Asn67Ile (NM_001318832.2); short protein forms N56I, N67I, N7I.
Identifiers: ClinVar variation 943085 (VCV000943085.2), dbSNP rs144165984, ClinGen allele CA394303241.

ClinVar aggregate classification (germline): Uncertain significance. Review status: criteria provided, multiple submitters, no conflicts (2 of 4 stars). 2 submissions from 2 submitters: Uncertain significance (2). Last evaluated 2026-02-18.

Conditions:
Tuberous sclerosis 2 (TSC2). Identifiers: Orphanet 805, MedGen C1860707, MONDO:0013199, OMIM 613254.
Hereditary cancer-predisposing syndrome. Also called: Tumor predisposition; Hereditary neoplastic syndrome; Hereditary Cancer Syndrome; Neoplastic Syndromes, Hereditary. Identifiers: Orphanet 140162, MedGen C0027672, MeSH D009386, MONDO:0015356.

gnomAD v4.1: 1 of 1,613,840 alleles (0.000062%); highest among the groups gnomAD compares: Non-Finnish European, 0.000085%; no homozygotes.

Submissions (2):

Ambry Genetics
Classification: Uncertain significance for Hereditary cancer-predisposing syndrome. Last evaluated: 2026-02-18. Review status: criteria provided, single submitter. Criteria: Ambry Variant Classification Scheme 2023. Collection method: clinical testing. Allele origin: germline.
Comment: The p.N56I variant (also known as c.167A>T), located in coding exon 2 of the TSC2 gene, results from an A to T substitution at nucleotide position 167. The asparagine at codon 56 is replaced by isoleucine, an amino acid with dissimilar properties. This amino acid position is well conserved in available vertebrate species. In addition, the in silico prediction for this alteration is inconclusive. Based on the available evidence, the clinical significance of this variant remains unclear.

Labcorp Genetics (formerly Invitae), Labcorp
Classification: Uncertain significance for Tuberous sclerosis 2. Last evaluated: 2019-09-26. Review status: criteria provided, single submitter. Criteria: Invitae Variant Classification Sherloc (09022015). Collection method: clinical testing. Allele origin: germline.
Comment: This sequence change replaces asparagine with isoleucine at codon 56 of the TSC2 protein (p.Asn56Ile). The asparagine residue is moderately conserved and there is a large physicochemical difference between asparagine and isoleucine. This variant is not present in population databases (ExAC no frequency). This variant has not been reported in the literature in individuals with TSC2-related conditions. Algorithms developed to predict the effect of missense changes on protein structure and function are either unavailable or do not agree on the potential impact of this missense change (SIFT: "Tolerated"; PolyPhen-2: "Probably Damaging"; Align-GVGD: "Class C0"). In summary, the available evidence is currently insufficient to determine the role of this variant in disease. Therefore, it has been classified as a Variant of Uncertain Significance.